The following is an entry in ClinVar:

ClinVar aggregate classification (germline): Uncertain significance (1 of 4 stars; one submission).

Submission:

Labcorp Genetics (formerly Invitae), Labcorp
Classification: Uncertain significance. Last evaluated: 2025-02-13. Review status: criteria provided, single submitter. Criteria: Invitae Variant Classification Sherloc (09022015). Collection method: clinical testing. Allele origin: germline.
Comment: This sequence change creates a premature translational stop signal (p.Gln501*) in the EIF2AK1 gene. It is expected to result in an absent or disrupted protein product. However, the current clinical and genetic evidence is not sufficient to establish whether loss-of-function variants in EIF2AK1 cause disease. This variant is not present in population databases (gnomAD no frequency). This variant has not been reported in the literature in individuals affected with EIF2AK1-related conditions. ClinVar contains an entry for this variant (Variation ID: 2853045). Algorithms developed to predict the effect of sequence changes on RNA splicing suggest that this variant may disrupt the consensus splice site. In summary, the available evidence is currently insufficient to determine the role of this variant in disease. Therefore, it has been classified as a Variant of Uncertain Significance.

NM_014413.4(EIF2AK1):c.1501C>T (p.Gln501Ter)

Gene: EIF2AK1 (eukaryotic translation initiation factor 2 alpha kinase 1; minus strand). Cytogenetic location: 7p22.1.
Variant type: single nucleotide variant.
Coding change: c.1501C>T on transcript NM_014413.4 (MANE Select); coding-DNA position 1501, C replaced by T.
Protein change: p.Gln501Ter; replaces glutamine 501 with a stop codon.
Molecular consequence: nonsense.
Genome position (GRCh38, 1-based): chr7:6,028,644, G>A on the plus strand (C>T on the coding strand, the complement: EIF2AK1 is on the minus strand). VCF-style: chr7-6028644-G-A. GRCh37 (hg19) VCF-style: chr7-6068275-G-A.
Other names: c.1498C>T, p.Gln500Ter (NM_001134335.2); short protein forms Q500*, Q501*.
Identifiers: ClinVar variation 2853045 (VCV002853045.3), dbSNP rs2536874527, ClinGen allele CA366745593.
Genomic context (GRCh38, chr7:6,028,644, plus strand): 5'-GAATGAAAGGGCAGAAAGCAACAAATACTACCTTGGCATCATACTCAGATCCTTCCAACT[G>A]TTCGGGTGAAGCGTACAGACAAGTACCCACTCTGGACGTATGTGTTGGTGTTCCTATCAT-3'